The following is an entry in ClinVar:

NM_003183.6(ADAM17):c.71C>T (p.Pro24Leu)

Gene: ADAM17 (ADAM metallopeptidase domain 17; minus strand). Cytogenetic location: 2p25.1.
Variant type: single nucleotide variant.
Coding change: c.71C>T on transcript NM_003183.6 (MANE Select); coding-DNA position 71, C replaced by T.
Protein change: p.Pro24Leu; replaces proline 24 with leucine.
Molecular consequence: missense variant. On other transcripts: 5 prime UTR variant (2).
Genome position (GRCh38, 1-based): chr2:9,555,535, G>A on the plus strand (C>T on the coding strand, the complement: ADAM17 is on the minus strand). VCF-style: chr2-9555535-G-A. GRCh37 (hg19) VCF-style: chr2-9695664-G-A.
Other names: c.-610C>T (NM_001382777.1); c.-852C>T (NM_001382778.1); short protein forms P24L.
Identifiers: ClinVar variation 4697897 (VCV004697897.1).
Genomic context (GRCh38, chr2:9,555,535, plus strand): 5'-GCGCCGGCCTAAGCCAACTCCCCTGGGTCTTTACCGAGTCTCTGGTGGGGGCCGAAGCCC[G>A]GGTCATCCGGAGGTCGCGGCGCCAGCACGAAAGGAACCACGCTGGTCAGGAATAGGAGAG-3'
Protein context (NP_003174.3, residues 14-34): FVLAPRPPDD[Pro24Leu]GFGPHQRLEK

ClinVar aggregate classification (germline): Uncertain significance (1 of 4 stars; one submission).

Conditions:
Inflammatory skin and bowel disease, neonatal, 1. Identifiers: Orphanet 294023, MedGen C3280501, MONDO:0013693, OMIM 614328.

gnomAD v4.1: 20 of 1,602,204 alleles (0.0012%); highest among the groups gnomAD compares: Non-Finnish European, 0.0014%; no homozygotes.

Submission:

Labcorp Genetics (formerly Invitae), Labcorp
Classification: Uncertain significance for Inflammatory skin and bowel disease, neonatal, 1. Last evaluated: 2025-06-17. Review status: criteria provided, single submitter. Criteria: Invitae Variant Classification Sherloc (09022015). Collection method: clinical testing. Allele origin: germline.
Comment: This sequence change replaces proline, which is neutral and non-polar, with leucine, which is neutral and non-polar, at codon 24 of the ADAM17 protein (p.Pro24Leu). The frequency data for this variant in the population databases is considered unreliable, as metrics indicate poor data quality at this position in the gnomAD database. This variant has not been reported in the literature in individuals affected with ADAM17-related conditions. An algorithm developed to predict the effect of missense changes on protein structure and function (PolyPhen-2) suggests that this variant is likely to be tolerated. In summary, the available evidence is currently insufficient to determine the role of this variant in disease. Therefore, it has been classified as a Variant of Uncertain Significance.